The following is an entry in ClinVar:

NM_001330700.2(TOP2B):c.1009A>G (p.Ser337Gly)

Gene: TOP2B (DNA topoisomerase II beta; minus strand). Cytogenetic location: 3p24.2.
Variant type: single nucleotide variant.
Coding change: c.1009A>G on transcript NM_001330700.2 (MANE Select); coding-DNA position 1009, A replaced by G.
Protein change: p.Ser337Gly; replaces serine 337 with glycine.
Molecular consequence: missense variant.
Genome position (GRCh38, 1-based): chr3:25,633,858, T>C on the plus strand (A>G on the coding strand, the complement: TOP2B is on the minus strand). VCF-style: chr3-25633858-T-C. GRCh37 (hg19) VCF-style: chr3-25675349-T-C.
Other names: c.994A>G, p.Ser332Gly (NM_001068.3); short protein forms S332G, S337G.
Identifiers: ClinVar variation 4976311 (VCV004976311.1).

ClinVar aggregate classification (germline): Uncertain significance (1 of 4 stars; one submission).

gnomAD v4.1: 1 of 1,611,564 alleles (0.000062%); highest among the groups gnomAD compares: South Asian, 0.0011%; no homozygotes.

Submission:

GeneDx
Classification: Uncertain significance. Last evaluated: 2026-02-12. Review status: criteria provided, single submitter. Criteria: GeneDx Variant Classification Process June 2021. Collection method: clinical testing. Allele origin: germline.
Comment: Not observed at significant frequency in large population cohorts (gnomAD); In silico analysis supports that this missense variant has a deleterious effect on protein structure/function; Has not been previously published as pathogenic or benign to our knowledge